The following is an entry in ClinVar:

NM_001110556.2(FLNA):c.2601G>T (p.Glu867Asp)

Gene: FLNA (filamin A; minus strand). Cytogenetic location: Xq28.
Variant type: single nucleotide variant.
Coding change: c.2601G>T on transcript NM_001110556.2 (MANE Select); coding-DNA position 2601, G replaced by T.
Protein change: p.Glu867Asp; replaces glutamic acid 867 with aspartic acid.
Molecular consequence: missense variant.
Genome position (GRCh38, 1-based): chrX:154,362,297, C>A on the plus strand (G>T on the coding strand, the complement: FLNA is on the minus strand). VCF-style: chrX-154362297-C-A. GRCh37 (hg19) VCF-style: chrX-153590665-C-A.
Other names: c.2601G>T, p.Glu867Asp (NM_001456.4); short protein forms E867D.
Identifiers: ClinVar variation 2928744 (VCV002928744.3), dbSNP rs1269534273, ClinGen allele CA415233561.

ClinVar aggregate classification (germline): Uncertain significance (1 of 4 stars; one submission).

Conditions:
Oto-palato-digital syndrome, type II (OPD2). Also called: Otopalatodigital Syndrome Type 2 (FLNA-OPD2); FACIOPALATOOSSEOUS SYNDROME; OPD II SYNDROME; Otopalatodigital Syndrome, Type II. Identifiers: Orphanet 669, Orphanet 90652, MedGen C1844696, MONDO:0010571, OMIM 304120.
Heterotopia, periventricular, X-linked dominant (PVNH1). Also called: PERIVENTRICULAR NODULAR HETEROTOPIA 1; X-linked periventricular heterotopia; PERIVENTRICULAR NODULAR HETEROTOPIA 4; HETEROTOPIA, PERIVENTRICULAR, 1. Identifiers: Orphanet 2149, Orphanet 82004, MedGen C1848213, MONDO:0010233, OMIM 300049.
Melnick-Needles syndrome (MNS). Also called: Melnick-Needles Syndrome (FLNA-MNS); MELNICK-NEEDLES OSTEODYSPLASTY; OSTEODYSPLASTY OF MELNICK AND NEEDLES. Identifiers: Orphanet 2484, MedGen C0025237, MONDO:0010650, OMIM 309350.
Frontometaphyseal dysplasia (FMD1). Identifiers: Orphanet 1826, MedGen C0265293, MONDO:0015942.

Allele frequency attached by ClinVar (database versions not stated): gnomAD exomes below 0.00001; TOPMed below 0.00001.
gnomAD v4.1: 1 of 1,211,559 alleles (0.000083%); highest among the groups gnomAD compares: South Asian, 0.0018%; no homozygotes.

Submission:

Labcorp Genetics (formerly Invitae), Labcorp
Classification: Uncertain significance for Oto-palato-digital syndrome, type II; Heterotopia, periventricular, X-linked dominant; Frontometaphyseal dysplasia; Melnick-Needles syndrome. Last evaluated: 2025-07-16. Review status: criteria provided, single submitter. Criteria: Invitae Variant Classification Sherloc (09022015). Collection method: clinical testing. Allele origin: germline.
Comment: This sequence change replaces glutamic acid, which is acidic and polar, with aspartic acid, which is acidic and polar, at codon 867 of the FLNA protein (p.Glu867Asp). This variant is not present in population databases (gnomAD no frequency). This variant has not been reported in the literature in individuals affected with FLNA-related conditions. ClinVar contains an entry for this variant (Variation ID: 2928744). Invitae Evidence Modeling of protein sequence and biophysical properties (such as structural, functional, and spatial information, amino acid conservation, physicochemical variation, residue mobility, and thermodynamic stability) indicates that this missense variant is not expected to disrupt FLNA protein function with a negative predictive value of 95%. In summary, the available evidence is currently insufficient to determine the role of this variant in disease. Therefore, it has been classified as a Variant of Uncertain Significance.